The following is an entry in ClinVar:

NC_000017.11:g.(?_43044960)_(43071323_?)del

Gene: BRCA1 (BRCA1 DNA repair associated; minus strand). Cytogenetic location: 17q21.31.
Variant type: Deletion.
Identifiers: ClinVar variation 830606 (VCV000830606.3).

ClinVar aggregate classification (germline): Pathogenic (1 of 4 stars; one submission).

Conditions:
Hereditary breast ovarian cancer syndrome. Also called: Hereditary breast and/or ovarian cancer syndrome; Hereditary breast and ovarian cancer syndrome (HBOC); Breast and ovarian cancer; Hereditary breast and ovarian cancer; BRCA1- and BRCA2-Associated Hereditary Breast and Ovarian Cancer; Hereditary breast and ovarian cancer syndrome. Identifiers: Orphanet 145, MedGen C0677776, MeSH D061325, MONDO:0003582. Disease mechanism: loss of function.

Submission:

Labcorp Genetics (formerly Invitae), Labcorp
Classification: Pathogenic for Hereditary breast ovarian cancer syndrome. Last evaluated: 2023-10-13. Review status: criteria provided, single submitter. Criteria: Invitae Variant Classification Sherloc (09022015). Collection method: clinical testing. Allele origin: germline.
Comment: This variant is a gross deletion of the genomic region encompassing exon(s) 15-23 of the BRCA1 gene, which includes the termination codon. This deletion extends beyond the assayed region for this gene and therefore may encompass additional genes. While this deletion is not anticipated to lead to nonsense mediated decay, it is expected to alter mRNA translation or result in a truncated protein product. This variant has not been reported in the literature in individuals affected with BRCA1-related conditions. The region of the BRCA1 gene that includes exon(s) 22-23 has been determined to be clinically significant (PMID: 16715518, 16793929, 17333342, 18431737, 24825132). Therefore, deletions that encompass that region are likely to be disease-causing. For these reasons, this variant has been classified as Pathogenic.

Literature cited by the submitters: PubMed 16715518; PubMed 16793929; PubMed 17333342; PubMed 18431737; PubMed 24825132.